The following is an entry in ClinVar:

ClinVar aggregate classification (germline): Uncertain significance (1 of 4 stars; one submission).

Submission:

GeneDx
Classification: Uncertain significance. Last evaluated: 2025-05-28. Review status: criteria provided, single submitter. Criteria: GeneDx Variant Classification Process June 2021. Collection method: clinical testing. Allele origin: germline. Affected: yes.
Comment: Not observed at significant frequency in large population cohorts (gnomAD); Has not been previously published as pathogenic or benign to our knowledge; Frameshift variant predicted to result in abnormal protein length as the last 17 amino acids are replaced with 65 different amino acids with an unclear effect on protein function

NM_006035.4(CDC42BPB):c.5083del (p.His1695fs)

Gene: CDC42BPB (CDC42 binding protein kinase beta; minus strand). Cytogenetic location: 14q32.32.
Variant type: Deletion.
Coding change: c.5083del on transcript NM_006035.4 (MANE Select); coding-DNA position 5083, one base deleted (C; older notation c.5083delC).
Protein change: p.His1695fs; shifts the reading frame from histidine 1695.
Molecular consequence: frameshift variant.
Genome position (GRCh38, 1-based): chr14:102,933,765, G deleted on the plus strand (C on the coding strand, the reverse complement: CDC42BPB is on the minus strand); the first of 6 consecutive G bases (chr14:102,933,765-102,933,770); deleting any one gives the same sequence. VCF-style (leftmost placement, unchanged base first): chr14-102933764-TG-T. GRCh37 (hg19) VCF-style: chr14-103400101-TG-T.
Other names: c.5005del, p.His1669fs (NM_001411054.1); short protein forms H1669fs, H1695fs.
Identifiers: ClinVar variation 4532685 (VCV004532685.1).